The following is an entry in ClinVar:

ClinVar aggregate classification (germline): Uncertain significance. Review status: criteria provided, multiple submitters, no conflicts (2 of 4 stars). 6 submissions from 6 submitters: Uncertain significance (4). 2 of the submissions do not count toward it. Last evaluated 2026-06-30.

Conditions:
Familial cancer of breast. Also called: BREAST CANCER, FAMILIAL; hereditary breast carcinoma; Hereditary breast cancer. Identifiers: Orphanet 227535, MedGen C0346153, MONDO:0016419, OMIM 114480. Disease mechanism: loss of function.
Hereditary cancer-predisposing syndrome. Also called: Tumor predisposition; Hereditary neoplastic syndrome; Neoplastic Syndromes, Hereditary; Hereditary Cancer Syndrome. Identifiers: Orphanet 140162, MedGen C0027672, MeSH D009386, MONDO:0015356.
Ataxia-telangiectasia syndrome (AT). Also called: LOUIS-BAR SYNDROME; ATAXIA-TELANGIECTASIA, COMPLEMENTATION GROUP A; ATAXIA-TELANGIECTASIA, FRESNO VARIANT; Ataxia-telangiectasia; Ataxia-telangiectasia, complementation group D; Ataxia-telangiectasia, complementation group E. Identifiers: Orphanet 100, MedGen C0004135, MONDO:0008840, OMIM 208900.

Submissions (6):

Women's Health and Genetics/Laboratory Corporation of America, LabCorp
Classification: Uncertain significance. Last evaluated: 2026-06-30. Review status: criteria provided, single submitter. Criteria: LabCorp Variant Classification Summary - May 2015. Collection method: clinical testing. Allele origin: germline.
Comment: Variant summary: ATM c.2937G>T (p.Leu979Phe) results in a non-conservative amino acid change in the encoded protein sequence. Algorithms developed to predict the effect of missense changes on protein structure and function are either unavailable or do not agree on the potential impact of this missense change. The variant was absent in 251296 control chromosomes. The available data on variant occurrences in the general population are insufficient to allow any conclusion about variant significance. To our knowledge, no occurrence of c.2937G>T in individuals affected with ATM-related conditions and no experimental evidence demonstrating its impact on protein function have been reported. ClinVar contains an entry for this variant (Variation ID: 481272). Based on the evidence outlined above, the variant was classified as uncertain significance.

Labcorp Genetics (formerly Invitae), Labcorp
Classification: Uncertain significance for Ataxia-telangiectasia syndrome. Last evaluated: 2025-11-22. Review status: criteria provided, single submitter. Criteria: Invitae Variant Classification Sherloc (09022015). Collection method: clinical testing. Allele origin: germline.
Comment: This sequence change replaces leucine, which is neutral and non-polar, with phenylalanine, which is neutral and non-polar, at codon 979 of the ATM protein (p.Leu979Phe). The frequency data for this variant in the population databases is considered unreliable, as metrics indicate poor data quality at this position in the gnomAD database. This variant has not been reported in the literature in individuals affected with ATM-related conditions. ClinVar contains an entry for this variant (Variation ID: 481272). Invitae Evidence Modeling of protein sequence and biophysical properties (such as structural, functional, and spatial information, amino acid conservation, physicochemical variation, residue mobility, and thermodynamic stability) indicates that this missense variant is not expected to disrupt ATM protein function with a negative predictive value of 95%. In summary, the available evidence is currently insufficient to determine the role of this variant in disease. Therefore, it has been classified as a Variant of Uncertain Significance.

Ambry Genetics
Classification: Uncertain significance for Hereditary cancer-predisposing syndrome. Last evaluated: 2023-08-01. Review status: criteria provided, single submitter. Criteria: Ambry Variant Classification Scheme 2023. Collection method: clinical testing. Allele origin: germline.
Comment: The p.L979F variant (also known as c.2937G>T), located in coding exon 19 of the ATM gene, results from a G to T substitution at nucleotide position 2937. The leucine at codon 979 is replaced by phenylalanine, an amino acid with highly similar properties. This amino acid position is well conserved in available vertebrate species. In addition, this alteration is predicted to be tolerated by in silico analysis. Since supporting evidence is limited at this time, the clinical significance of this alteration remains unclear.

Baylor Genetics
Classification: Uncertain significance for Familial cancer of breast. Last evaluated: 2023-06-23. Review status: criteria provided, single submitter. Criteria: ACMG Guidelines, 2015. Collection method: clinical testing. Allele origin: unknown.

Natera, Inc.
Classification: Uncertain significance for Ataxia-telangiectasia. Last evaluated: 2020-09-16. Review status: no assertion criteria provided. Collection method: clinical testing. Allele origin: germline. Not counted in ClinVar's aggregate classification.

True Health Diagnostics
Classification: Likely benign for Hereditary cancer-predisposing syndrome. Last evaluated: 2018-02-20. Review status: no assertion criteria provided. Collection method: clinical testing. Allele origin: germline. Not counted in ClinVar's aggregate classification.

NM_000051.4(ATM):c.2937G>T (p.Leu979Phe)

Gene: ATM (ATM serine/threonine kinase; plus strand). Cytogenetic location: 11q22.3.
Variant type: single nucleotide variant.
Coding change: c.2937G>T on transcript NM_000051.4 (MANE Select); coding-DNA position 2937, G replaced by T.
Protein change: p.Leu979Phe; replaces leucine 979 with phenylalanine.
Molecular consequence: missense variant.
Genome position (GRCh38, 1-based): chr11:108,271,266, G>T. VCF-style: chr11-108271266-G-T. GRCh37 (hg19) VCF-style: chr11-108141993-G-T.
Other names: c.2937G>T, p.Leu979Phe (NM_001351834.2); short protein forms L979F.
Identifiers: ClinVar variation 481272 (VCV000481272.17), dbSNP rs1166904824, ClinGen allele CA382547128.